The following is an entry in ClinVar:

ClinVar aggregate classification (germline): Likely benign (0 of 4 stars; one submission).

Conditions:
SEMA3D-related disorder. Also called: SEMA3D-related condition.

gnomAD v4.1: 4 of 1,613,348 alleles (0.00025%); highest among the groups gnomAD compares: Non-Finnish European, 0.00034%; no homozygotes.

Submission:

PreventionGenetics, part of Exact Sciences
Classification: Likely benign for SEMA3D-related condition. Last evaluated: 2021-07-26. Review status: no assertion criteria provided. Collection method: clinical testing. Allele origin: germline.
Comment: This variant is classified as likely benign based on ACMG/AMP sequence variant interpretation guidelines (Richards et al. 2015 PMID: 25741868, with internal and published modifications).

NM_001384900.1(SEMA3D):c.1101A>C (p.Ala367=)

Gene: SEMA3D (semaphorin 3D; minus strand). Cytogenetic location: 7q21.11.
Variant type: single nucleotide variant.
Coding change: c.1101A>C on transcript NM_001384900.1 (MANE Select); coding-DNA position 1101, A replaced by C.
Protein change: p.Ala367=; no amino-acid change (alanine 367 retained).
Molecular consequence: synonymous variant.
Genome position (GRCh38, 1-based): chr7:85,036,979, T>G on the plus strand (A>C on the coding strand, the complement: SEMA3D is on the minus strand). VCF-style: chr7-85036979-T-G. GRCh37 (hg19) VCF-style: chr7-84666295-T-G.
Other names: c.1101A>C, p.Ala367= (NM_001384901.1, NM_001384902.1, NM_001384903.1 and 1 more transcripts).
Identifiers: ClinVar variation 3357765 (VCV003357765.1).